The following is an entry in ClinVar:

ClinVar aggregate classification (germline): Uncertain significance (1 of 4 stars; one submission).

Allele frequency attached by ClinVar (database versions not stated): ExAC 0.00001; gnomAD 0.00001; gnomAD exomes 0.00001; TOPMed 0.00001.

Submission:

Labcorp Genetics (formerly Invitae), Labcorp
Classification: Uncertain significance. Last evaluated: 2025-12-01. Review status: criteria provided, single submitter. Criteria: Invitae Variant Classification Sherloc (09022015). Collection method: clinical testing. Allele origin: germline.
Comment: This sequence change replaces arginine, which is basic and polar, with cysteine, which is neutral and slightly polar, at codon 156 of the ACVR1 protein (p.Arg156Cys). This variant is not present in population databases (gnomAD no frequency). This variant has not been reported in the literature in individuals affected with ACVR1-related conditions. ClinVar contains an entry for this variant (Variation ID: 2905384). An algorithm developed to predict the effect of missense changes on protein structure and function (PolyPhen-2) suggests that this variant is likely to be disruptive. In summary, the available evidence is currently insufficient to determine the role of this variant in disease. Therefore, it has been classified as a Variant of Uncertain Significance.

NM_001111067.4(ACVR1):c.466C>T (p.Arg156Cys)

Gene: ACVR1 (activin A receptor type 1; minus strand). Cytogenetic location: 2q24.1.
Variant type: single nucleotide variant.
Coding change: c.466C>T on transcript NM_001111067.4 (MANE Select); coding-DNA position 466, C replaced by T.
Protein change: p.Arg156Cys; replaces arginine 156 with cysteine.
Molecular consequence: missense variant.
Genome position (GRCh38, 1-based): chr2:157,778,208, G>A on the plus strand (C>T on the coding strand, the complement: ACVR1 is on the minus strand). VCF-style: chr2-157778208-G-A. GRCh37 (hg19) VCF-style: chr2-158634720-G-A.
Other names: c.466C>T, p.Arg156Cys (NM_001105.5, NM_001347663.1, NM_001347664.1 and 3 more transcripts); short protein forms R156C.
Identifiers: ClinVar variation 2905384 (VCV002905384.3), dbSNP rs777150519, ClinGen allele CA1919152.